The following is an entry in ClinVar:

NM_003722.5(TP63):c.740A>G (p.His247Arg)

Gene: TP63 (tumor protein p63; plus strand). Cytogenetic location: 3q28.
Variant type: single nucleotide variant.
Coding change: c.740A>G on transcript NM_003722.5 (MANE Select); coding-DNA position 740, A replaced by G.
Protein change: p.His247Arg; replaces histidine 247 with arginine.
Molecular consequence: missense variant.
Genome position (GRCh38, 1-based): chr3:189,864,392, A>G. VCF-style: chr3-189864392-A-G. GRCh37 (hg19) VCF-style: chr3-189582181-A-G.
Other names: c.740A>G, p.His247Arg (NM_001114978.2, NM_001114979.2, NM_001329144.2 and 1 more transcripts); c.458A>G, p.His153Arg (NM_001114980.2, NM_001114981.2, NM_001114982.2 and 2 more transcripts); c.203A>G, p.His68Arg (NM_001329146.2, NM_001329150.2); c.734A>G, p.His245Arg (NM_001329964.2); short protein forms H247R, H153R, H245R, H68R.
Identifiers: ClinVar variation 208163 (VCV000208163.12), dbSNP rs864621968, ClinGen allele CA339766.

ClinVar aggregate classification (germline): Pathogenic. Review status: criteria provided, multiple submitters, no conflicts (2 of 4 stars). 4 submissions from 4 submitters: Pathogenic (4). Last evaluated 2024-05-09.

Conditions:
TP63-Related Spectrum Disorders.
Ectrodactyly, ectodermal dysplasia, and cleft lip-palate syndrome 3. Also called: EEC SYNDROME 3; Ectrodactyly, Ectodermal Dysplasia, Clefting Syndrome Type 3 (EEC3); Ectrodactyly, Ectodermal Dysplasia, Cleft Lip/Palate Syndrome 3 (EEC3); Ectrodactyly, Ectodermal Dysplasia, Clefting Syndrome. Identifiers: Orphanet 1896, MedGen C1858562, MONDO:0011428, OMIM 604292.
Ankyloblepharon-ectodermal defects-cleft lip/palate syndrome. Also called: HAY-WELLS SYNDROME; Ankyloblepharon-Ectodermal Defects-Cleft Lip/Palate Syndrome (AEC Syndrome); Hay-Wells syndrome of ectodermal dysplasia; AEC SYNDROME; Ankyloblepharon-ectodermal defects, cleft lip/palate. Identifiers: Orphanet 1071, MedGen C0406709, MONDO:0007124, OMIM 106260.

Submissions (4):

GeneDx
Classification: Pathogenic. Last evaluated: 2024-05-09. Review status: criteria provided, single submitter. Criteria: GeneDx Variant Classification Process June 2021. Collection method: clinical testing. Allele origin: germline. Affected: yes.
Comment: Reported in two unrelated individuals with Ectrodactyly-Ectodermal dysplasia-Clefting (EEC) syndrome in published literature (PMID: 19903181); Not observed at significant frequency in large population cohorts (gnomAD); In silico analysis supports that this missense variant has a deleterious effect on protein structure/function; Also known as p.His208Arg; This variant is associated with the following publications: (PMID: 29620206, 32881366, 37665243, 26380986, 12037717, 21464285, 21652629, 17224651, 19903181)

Labcorp Genetics (formerly Invitae), Labcorp
Classification: Pathogenic. Last evaluated: 2022-03-27. Review status: criteria provided, single submitter. Criteria: Invitae Variant Classification Sherloc (09022015). Collection method: clinical testing. Allele origin: germline.
Comment: Algorithms developed to predict the effect of missense changes on protein structure and function are either unavailable or do not agree on the potential impact of this missense change (SIFT: "Deleterious"; PolyPhen-2: "Probably Damaging"; Align-GVGD: "Class C0"). For these reasons, this variant has been classified as Pathogenic. This variant disrupts the p. His247 amino acid residue in TP63. Other variant(s) that disrupt this residue have been determined to be pathogenic (PMID: 16691622, 19663851). This suggests that this residue is clinically significant, and that variants that disrupt this residue are likely to be disease-causing. Algorithms developed to predict the effect of sequence changes on RNA splicing suggest that this variant may create or strengthen a splice site. ClinVar contains an entry for this variant (Variation ID: 208163). This missense change has been observed in individual(s) with ectrodactyly‚Äìectodermal dysplasia‚Äìcleft lip ‚ÅÑ palate (EEC) syndrome (PMID: 19903181, 26380986). This variant is not present in population databases (gnomAD no frequency). This sequence change replaces histidine, which is basic and polar, with arginine, which is basic and polar, at codon 247 of the TP63 protein (p.His247Arg).

Programa de Pós-Graduação em Ciências Genômicas e Biotecnologia, Universidade Católica de Brasília
Classification: Pathogenic for Ectrodactyly, ectodermal dysplasia, and cleft lip/palate syndrome 3. Last evaluated: 2015-04-01. Review status: criteria provided, single submitter. Criteria: Submitter's publication. Collection method: research. Allele origin: germline. Affected: yes.

Royal Medical Services, Bahrain Defence Force Hospital
Classification: Pathogenic for Ankyloblepharon-ectodermal defects-cleft lip/palate syndrome. Review status: criteria provided, single submitter. Criteria: ACMG Guidelines, 2015. Collection method: clinical testing. Allele origin: paternal. Inheritance: Autosomal dominant inheritance. Affected: yes. Observed: 1 heterozygote.
Comment: The TP63 variant c.740A>G p.(His247Arg) causes an amino acid change from His to Arg at position 247 in exon(s) no. 5 (of 14). According to HGMD Professional 2024.2, this variant has previously been described as disease causing for EEC syndrome (PMID:19903181, 32881366). ClinVar lists this variant (Interpretation: Pathogenic; Variation ID: 208163; Accession: VCV000208163.10).

Literature cited by the submitters: PubMed 16691622 (cited by Labcorp Genetics (formerly Invitae), Labcorp); PubMed 19663851 (cited by Labcorp Genetics (formerly Invitae), Labcorp); PubMed 19903181 (cited by Labcorp Genetics (formerly Invitae), Labcorp and Royal Medical Services, Bahrain Defence Force Hospital); PubMed 26380986 (cited by Labcorp Genetics (formerly Invitae), Labcorp); PubMed 20556892 (cited by Royal Medical Services, Bahrain Defence Force Hospital); PubMed 32881366 (cited by Royal Medical Services, Bahrain Defence Force Hospital).